The following is an entry in ClinVar:

ClinVar aggregate classification (germline): Uncertain significance (1 of 4 stars; one submission).

Allele frequency attached by ClinVar (database versions not stated): gnomAD 0.00001; TOPMed 0.00001.

Submission:

Labcorp Genetics (formerly Invitae), Labcorp
Classification: Uncertain significance. Last evaluated: 2022-06-08. Review status: criteria provided, single submitter. Criteria: Invitae Variant Classification Sherloc (09022015). Collection method: clinical testing. Allele origin: germline.
Comment: This sequence change replaces serine, which is neutral and polar, with cysteine, which is neutral and slightly polar, at codon 162 of the SLC39A7 protein (p.Ser162Cys). This variant is present in population databases (no rsID available, gnomAD 0.03%). This variant has not been reported in the literature in individuals affected with SLC39A7-related conditions. Algorithms developed to predict the effect of missense changes on protein structure and function are either unavailable or do not agree on the potential impact of this missense change (SIFT: "Deleterious"; PolyPhen-2: "Probably Damaging"; Align-GVGD: "Class C15"). In summary, the available evidence is currently insufficient to determine the role of this variant in disease. Therefore, it has been classified as a Variant of Uncertain Significance.

NM_006979.3(SLC39A7):c.485C>G (p.Ser162Cys)

Gene: SLC39A7 (solute carrier family 39 member 7; plus strand). Cytogenetic location: 6p21.32.
Variant type: single nucleotide variant.
Coding change: c.485C>G on transcript NM_006979.3 (MANE Select); coding-DNA position 485, C replaced by G.
Protein change: p.Ser162Cys; replaces serine 162 with cysteine.
Molecular consequence: missense variant.
Genome position (GRCh38, 1-based): chr6:33,201,818, C>G. VCF-style: chr6-33201818-C-G. GRCh37 (hg19) VCF-style: chr6-33169595-C-G.
Other names: c.485C>G, p.Ser162Cys (NM_001077516.2); c.110C>G, p.Ser37Cys (NM_001288777.2); short protein forms S162C, S37C.
Identifiers: ClinVar variation 2115536 (VCV002115536.4), dbSNP rs1185669326, ClinGen allele CA363639897.